The following is an entry in ClinVar:

NM_198075.4(LRRC56):c.1000C>T (p.Pro334Ser)

Gene: LRRC56 (leucine rich repeat containing 56; plus strand). Cytogenetic location: 11p15.5.
Variant type: single nucleotide variant.
Coding change: c.1000C>T on transcript NM_198075.4 (MANE Select); coding-DNA position 1000, C replaced by T.
Protein change: p.Pro334Ser; replaces proline 334 with serine.
Molecular consequence: missense variant.
Genome position (GRCh38, 1-based): chr11:551,929, C>T. VCF-style: chr11-551929-C-T. GRCh37 (hg19) VCF-style: chr11-551929-C-T.
Other names: short protein forms P334S.
Identifiers: ClinVar variation 1992797 (VCV001992797.4), dbSNP rs779538247, ClinGen allele CA378948178.

ClinVar aggregate classification (germline): Uncertain significance (1 of 4 stars; one submission).

Submission:

Labcorp Genetics (formerly Invitae), Labcorp
Classification: Uncertain significance. Last evaluated: 2022-05-10. Review status: criteria provided, single submitter. Criteria: Invitae Variant Classification Sherloc (09022015). Collection method: clinical testing. Allele origin: germline.
Comment: In summary, the available evidence is currently insufficient to determine the role of this variant in disease. Therefore, it has been classified as a Variant of Uncertain Significance. Algorithms developed to predict the effect of missense changes on protein structure and function are either unavailable or do not agree on the potential impact of this missense change (SIFT: "Tolerated"; PolyPhen-2: "Probably Damaging"; Align-GVGD: "Class C0"). This variant has not been reported in the literature in individuals affected with LRRC56-related conditions. This variant is not present in population databases (gnomAD no frequency). This sequence change replaces proline, which is neutral and non-polar, with serine, which is neutral and polar, at codon 334 of the LRRC56 protein (p.Pro334Ser).